The following is an entry in ClinVar:

ClinVar aggregate classification (germline): Benign/Likely benign. Review status: criteria provided, multiple submitters, no conflicts (2 of 4 stars). 12 submissions from 12 submitters: Benign (4); Likely benign (6). 2 of the submissions do not count toward it. Last evaluated 2026-09-01.

Conditions:
Ehlers-Danlos syndrome (EDS). Identifiers: Orphanet 98249, MedGen C0013720, MONDO:0020066.
Ehlers-Danlos syndrome, classic type, 1 (EDSCL1). Also called: Ehlers-Danlos syndrome, type 1; EHLERS-DANLOS SYNDROME, GRAVIS TYPE; EHLERS-DANLOS SYNDROME, SEVERE CLASSIC TYPE; Ehlers-Danlos Syndrome, Classic Type, COL5A1-Related; EDS I. Identifiers: MedGen C0268335, MONDO:0019567, OMIM 130000.
Ehlers-Danlos syndrome, classic type (cEDS). Identifiers: Orphanet 287, MedGen C4225429, MONDO:0007522.
Familial thoracic aortic aneurysm and aortic dissection (TAAD). Also called: Thoracic aortic aneurysms and dissections. Identifiers: Orphanet 91387, MedGen C4707243, MONDO:0019625.

Allele frequency attached by ClinVar (database versions not stated): 1000 Genomes Project 0.00020; 1000 Genomes Project 30x 0.00031; TOPMed 0.00038; gnomAD 0.00040 and 0.00041; ExAC 0.00046; gnomAD exomes 0.00049 and 0.00079; ESP Exome Variant Server 0.00054.
gnomAD v4.1: 1,194 of 1,613,792 alleles (0.074%); highest among the groups gnomAD compares: Non-Finnish European, 0.095%; 1 homozygote.

Submissions (12):

CeGaT Center for Human Genetics Tuebingen
Classification: Likely benign. Last evaluated: 2026-09-01. Review status: criteria provided, single submitter. Criteria: CeGaT Center For Human Genetics Tuebingen Variant Classification Criteria Version 2. Collection method: clinical testing. Allele origin: germline. Affected: yes. Observed: 7 variant alleles.
Comment: COL5A1: BP4, BP7

Labcorp Genetics (formerly Invitae), Labcorp
Classification: Benign for Ehlers-Danlos syndrome, classic type, 1. Last evaluated: 2026-02-03. Review status: criteria provided, single submitter. Criteria: Invitae Variant Classification Sherloc (09022015). Collection method: clinical testing. Allele origin: germline.

ARUP Laboratories, Molecular Genetics and Genomics, ARUP Laboratories
Classification: Benign. Last evaluated: 2025-03-18. Review status: criteria provided, single submitter. Criteria: ARUP Molecular Germline Variant Investigation Process 2024. Collection method: clinical testing. Allele origin: germline.

Blueprint Genetics
Classification: Likely benign. Last evaluated: 2024-11-15. Review status: criteria provided, single submitter. Criteria: ACMG Guidelines, 2015. Collection method: clinical testing. Allele origin: germline.

Mayo Clinic Laboratories, Mayo Clinic
Classification: Likely benign. Last evaluated: 2024-06-11. Review status: criteria provided, single submitter. Criteria: ACMG Guidelines, 2015. Collection method: clinical testing. Allele origin: germline. Observed: 4 variant alleles.
Comment: BS1, BP4, BP7

Women's Health and Genetics/Laboratory Corporation of America, LabCorp
Classification: Benign. Last evaluated: 2023-08-24. Review status: criteria provided, single submitter. Criteria: LabCorp Variant Classification Summary - May 2015. Collection method: clinical testing. Allele origin: germline.

Genome Diagnostics Laboratory, The Hospital for Sick Children
Classification: Likely benign for Ehlers-Danlos syndrome. Last evaluated: 2021-07-07. Review status: criteria provided, single submitter. Criteria: ACMG Guidelines, 2015. Collection method: clinical testing. Allele origin: germline.

Illumina Laboratory Services, Illumina
Classification: Likely benign for Ehlers-Danlos syndrome, classic type, 1. Last evaluated: 2018-01-13. Review status: criteria provided, single submitter. Criteria: ICSL Variant Classification Criteria 13 December 2019. Collection method: clinical testing. Allele origin: germline.
Comment: This variant was observed in the ICSL laboratory as part of a predisposition screen in an ostensibly healthy population. It had not been previously curated by ICSL or reported in the Human Gene Mutation Database (HGMD: prior to June 1st, 2018), and was therefore a candidate for classification through an automated scoring system. Utilizing variant allele frequency, disease prevalence and penetrance estimates, and inheritance mode, an automated score was calculated to assess if this variant is too frequent to cause the disease. Based on the score and internal cut-off values, a variant classified as likely benign is not then subjected to further curation. The score for this variant resulted in a classification of likely benign for this disease.

Ambry Genetics
Classification: Likely benign for Familial thoracic aortic aneurysm and aortic dissection. Last evaluated: 2015-03-24. Review status: criteria provided, single submitter. Criteria: Ambry Variant Classification Scheme 2023. Collection method: clinical testing. Allele origin: germline.

GeneDx
Classification: Benign. Last evaluated: 2014-12-05. Review status: criteria provided, single submitter. Criteria: GeneDx Variant Classification (06012015). Collection method: clinical testing. Allele origin: germline. Affected: yes.
Comment: This variant is considered likely benign or benign based on one or more of the following criteria: it is a conservative change, it occurs at a poorly conserved position in the protein, it is predicted to be benign by multiple in silico algorithms, and/or has population frequency not consistent with disease.

Clinical Genetics DNA and cytogenetics Diagnostics Lab, Erasmus MC, Erasmus Medical Center
Classification: Likely benign. Review status: no assertion criteria provided. Collection method: clinical testing. Allele origin: germline. Affected: yes. Study: VKGL Data-share Consensus. Not counted in ClinVar's aggregate classification.

Genome Diagnostics Laboratory, University Medical Center Utrecht
Classification: Likely benign. Review status: no assertion criteria provided. Collection method: clinical testing. Allele origin: germline. Affected: yes. Study: VKGL Data-share Consensus. Not counted in ClinVar's aggregate classification.

NM_000093.5(COL5A1):c.126C>T (p.Leu42=)

Gene: COL5A1 (collagen type V alpha 1 chain; plus strand). Cytogenetic location: 9q34.3.
Variant type: single nucleotide variant.
Coding change: c.126C>T on transcript NM_000093.5 (MANE Select); coding-DNA position 126, C replaced by T.
Protein change: p.Leu42=; no amino-acid change (leucine 42 retained).
Molecular consequence: synonymous variant.
Genome position (GRCh38, 1-based): chr9:134,690,928, C>T. VCF-style: chr9-134690928-C-T. GRCh37 (hg19) VCF-style: chr9-137582774-C-T.
Other names: p.L42L:CTC>CTT; p.Leu42=; c.126C>T, p.Leu42= (NM_001278074.1).
Identifiers: ClinVar variation 212915 (VCV000212915.59), dbSNP rs149369116, ClinGen allele CA324690.